The following is an entry in ClinVar:

NM_001134831.2(AHI1):c.1148A>G (p.Asp383Gly)

Gene: AHI1 (Abelson helper integration site 1; minus strand). Cytogenetic location: 6q23.3.
Variant type: single nucleotide variant.
Coding change: c.1148A>G on transcript NM_001134831.2 (MANE Select); coding-DNA position 1148, A replaced by G.
Protein change: p.Asp383Gly; replaces aspartic acid 383 with glycine.
Molecular consequence: missense variant.
Genome position (GRCh38, 1-based): chr6:135,457,497, T>C on the plus strand (A>G on the coding strand, the complement: AHI1 is on the minus strand). VCF-style: chr6-135457497-T-C. GRCh37 (hg19) VCF-style: chr6-135778635-T-C.
Other names: c.1148A>G, p.Asp383Gly (NM_001134830.2, NM_001134832.2, NM_001350503.2 and 2 more transcripts); short protein forms D383G.
Identifiers: ClinVar variation 973758 (VCV000973758.2), dbSNP rs1789162289, ClinGen allele CA365747470.
Genomic context (GRCh38, chr6:135,457,497, plus strand): 5'-AAAAGACTTCTACTAGTTTCAGTTTCAAGAATTAGTTGTGCAATTAAAAAAAATTACCTA[T>C]CATCTTTCTTGACATATTGACCAGTATGCTCATCAACCACATGAATTTTTACCATTGGGT-3'
Protein context (NP_001128303.1, residues 373-393): EHTGQYVKKD[Asp383Gly]SGRPVSSYYE

ClinVar aggregate classification (germline): Likely pathogenic (1 of 4 stars; one submission).

Conditions:
Joubert syndrome 3 (JBTS3). Also called: AHI1-related Ciliopathy. Identifiers: Orphanet 220493, MedGen C1837713, MONDO:0012078, OMIM 608629.

Allele frequency attached by ClinVar (database versions not stated): gnomAD exomes below 0.00001.
gnomAD v4.1: 1 of 1,606,604 alleles (0.000062%); highest among the groups gnomAD compares: South Asian, 0.0011%; no homozygotes.

Submission:

Institute for Medical Genetics and Human Genetics, Charité - Universitätsmedizin Berlin
Classification: Likely pathogenic for Joubert syndrome 3. Review status: criteria provided, single submitter. Criteria: ACMG Guidelines, 2015. Collection method: clinical testing. Allele origin: germline. Inheritance: Autosomal recessive inheritance. Affected: yes. Observed: 1 homozygote.
Comment: Bioinformatic prediction programs predict the activation of a cryptic splice donor site. Several splice site mutations in the AHI1 gene have been described as the cause of Joubert's syndrome. According to the current state of knowledge, this is a probably pathogenic mutation (class IV).